The following is an entry in ClinVar:

ClinVar aggregate classification (germline): Pathogenic. Review status: criteria provided, multiple submitters, no conflicts (2 of 4 stars). 2 submissions from 2 submitters: Pathogenic (2). Last evaluated 2025-05-16.

Conditions:
ABCA4-related disorder. Also called: ABCA4-related disorders; ABCA4-related condition. Identifiers: MedGen CN239167.

Allele frequency attached by ClinVar (database versions not stated): ExAC 0.00001.
gnomAD v4.1: 3 of 1,614,224 alleles (0.00019%); highest among the groups gnomAD compares: Non-Finnish European, 0.00025%; no homozygotes.

Submissions (2):

Labcorp Genetics (formerly Invitae), Labcorp
Classification: Pathogenic. Last evaluated: 2025-05-16. Review status: criteria provided, single submitter. Criteria: Invitae Variant Classification Sherloc (09022015). Collection method: clinical testing. Allele origin: germline.
Comment: This sequence change replaces asparagine, which is neutral and polar, with tyrosine, which is neutral and polar, at codon 1621 of the ABCA4 protein (p.Asn1621Tyr). This variant is present in population databases (rs775170464, gnomAD 0.0009%). This missense change has been observed in individual(s) with inherited retinal dystrophy and/or Stargardt disease (PMID: 32037395, 36284670; internal data). ClinVar contains an entry for this variant (Variation ID: 2981199). Invitae Evidence Modeling of protein sequence and biophysical properties (such as structural, functional, and spatial information, amino acid conservation, physicochemical variation, residue mobility, and thermodynamic stability) indicates that this missense variant is expected to disrupt ABCA4 protein function with a positive predictive value of 95%. For these reasons, this variant has been classified as Pathogenic.

Blueprint Genetics
Classification: Pathogenic for ABCA4-related disorders. Last evaluated: 2023-10-23. Review status: criteria provided, single submitter. Criteria: ACMG Guidelines, 2015. Collection method: clinical testing. Allele origin: germline. Affected: yes. Observed: 2 variant alleles.

Literature cited by the submitters: PubMed 32037395 (cited by Labcorp Genetics (formerly Invitae), Labcorp); PubMed 36284670 (cited by Labcorp Genetics (formerly Invitae), Labcorp).

NM_000350.3(ABCA4):c.4861A>T (p.Asn1621Tyr)

Genes: ABCA4 (ATP binding cassette subfamily A member 4; minus strand), LOC126805793 (CDK7 strongly-dependent group 2 enhancer GRCh37_chr1:94486302-94487501; plus strand). Cytogenetic location: 1p22.1.
Variant type: single nucleotide variant.
Coding change: c.4861A>T on transcript NM_000350.3 (MANE Select); coding-DNA position 4861, A replaced by T.
Protein change: p.Asn1621Tyr; replaces asparagine 1621 with tyrosine.
Molecular consequence: missense variant.
Genome position (GRCh38, 1-based): chr1:94,021,397, T>A on the plus strand (A>T on the coding strand, the complement: ABCA4 is on the minus strand). VCF-style: chr1-94021397-T-A. GRCh37 (hg19) VCF-style: chr1-94486953-T-A.
Other names: c.4639A>T, p.Asn1547Tyr (NM_001425324.1); short protein forms N1547Y, N1621Y.
Identifiers: ClinVar variation 2981199 (VCV002981199.4), dbSNP rs775170464, ClinGen allele CA957436.